The following is an entry in ClinVar:

NM_153717.3(EVC):c.2688+1G>A

Gene: EVC (EvC ciliary complex subunit 1; plus strand). Cytogenetic location: 4p16.2.
Variant type: single nucleotide variant.
Coding change: c.2688+1G>A on transcript NM_153717.3 (MANE Select); the canonical splice donor site of the intron after coding-DNA position 2688, G replaced by A.
Molecular consequence: splice donor variant.
Genome position (GRCh38, 1-based): chr4:5,808,328, G>A. VCF-style: chr4-5808328-G-A. GRCh37 (hg19) VCF-style: chr4-5810055-G-A.
Other names: c.2688+1G>A (NM_001306090.2).
Identifiers: ClinVar variation 4816933 (VCV004816933.1).

ClinVar aggregate classification (germline): Likely pathogenic (1 of 4 stars; one submission).

Conditions:
Ellis-van Creveld syndrome (EVC). Also called: Chondroectodermal dysplasia; EVC-Related Ellis-van Creveld Syndrome; EVC2-Related Ellis-van Creveld Syndrome; MESOECTODERMAL DYSPLASIA. Identifiers: Orphanet 289, MedGen C0013903, MONDO:0009162, OMIM 225500.

gnomAD v4.1: 1 of 1,614,186 alleles (0.000062%); highest among the groups gnomAD compares: South Asian, 0.0011%; no homozygotes.

Submission:

Natera, Inc.
Classification: Likely pathogenic for Ellis-van Creveld syndrome. Last evaluated: 2024-05-08. Review status: criteria provided, single submitter. Criteria: Natera Variant Classification Schema (03/2026). Collection method: clinical testing. Allele origin: germline.
Comment: The c.2688+1G>A variant in EVC is a canonical splice donor site variant predicted to affect pre-mRNA splicing, which may result in an abnormal transcript and altered protein product. This variant is expected to result in nonsense mediated decay, truncation, or a dysfunctional protein product. This variant is rare in the general population with a frequency below the threshold expected for the associated phenotype(s). Given the available evidence, this variant is classified as Likely Pathogenic.